The following is an entry in ClinVar:

ClinVar aggregate classification (germline): Uncertain significance (1 of 4 stars; one submission).

Submission:

Labcorp Genetics (formerly Invitae), Labcorp
Classification: Uncertain significance. Last evaluated: 2024-10-24. Review status: criteria provided, single submitter. Criteria: Invitae Variant Classification Sherloc (09022015). Collection method: clinical testing. Allele origin: germline.
Comment: This sequence change replaces alanine, which is neutral and non-polar, with glycine, which is neutral and non-polar, at codon 69 of the MARS2 protein (p.Ala69Gly). This variant is not present in population databases (gnomAD no frequency). This variant has not been reported in the literature in individuals affected with MARS2-related conditions. Invitae Evidence Modeling of protein sequence and biophysical properties (such as structural, functional, and spatial information, amino acid conservation, physicochemical variation, residue mobility, and thermodynamic stability) indicates that this missense variant is not expected to disrupt MARS2 protein function with a negative predictive value of 80%. In summary, the available evidence is currently insufficient to determine the role of this variant in disease. Therefore, it has been classified as a Variant of Uncertain Significance.

NM_138395.4(MARS2):c.206C>G (p.Ala69Gly)

Genes: MARS2 (methionyl-tRNA synthetase 2, mitochondrial; plus strand), LOC129935365 (ATAC-STARR-seq lymphoblastoid active region 16942; plus strand). Cytogenetic location: 2q33.1.
Variant type: single nucleotide variant.
Coding change: c.206C>G on transcript NM_138395.4 (MANE Select); coding-DNA position 206, C replaced by G.
Protein change: p.Ala69Gly; replaces alanine 69 with glycine.
Molecular consequence: missense variant.
Genome position (GRCh38, 1-based): chr2:197,705,611, C>G. VCF-style: chr2-197705611-C-G. GRCh37 (hg19) VCF-style: chr2-198570335-C-G.
Other names: short protein forms A69G.
Identifiers: ClinVar variation 3662423 (VCV003662423.2).